The following is an entry in ClinVar:

ClinVar aggregate classification (germline): Uncertain significance (1 of 4 stars; one submission).

Allele frequency attached by ClinVar (database versions not stated): TOPMed 0.00002; gnomAD 0.00001.

Submission:

Labcorp Genetics (formerly Invitae), Labcorp
Classification: Uncertain significance. Last evaluated: 2022-06-26. Review status: criteria provided, single submitter. Criteria: Invitae Variant Classification Sherloc (09022015). Collection method: clinical testing. Allele origin: germline.
Comment: This sequence change replaces tyrosine, which is neutral and polar, with phenylalanine, which is neutral and non-polar, at codon 95 of the MOCS2B protein (p.Tyr95Phe). This variant is present in population databases (no rsID available, gnomAD 0.0009%). This variant has not been reported in the literature in individuals affected with MOCS2B-related conditions. Algorithms developed to predict the effect of missense changes on protein structure and function are either unavailable or do not agree on the potential impact of this missense change (SIFT: "Deleterious"; PolyPhen-2: "Possibly Damaging"; Align-GVGD: "Class C0"). In summary, the available evidence is currently insufficient to determine the role of this variant in disease. Therefore, it has been classified as a Variant of Uncertain Significance.

NM_004531.5(MOCS2):c.284A>T (p.Tyr95Phe)

Gene: MOCS2 (molybdenum cofactor synthesis 2; minus strand). Cytogenetic location: 5q11.2.
Variant type: single nucleotide variant.
Coding change: c.284A>T on transcript NM_004531.5 (MANE Select); coding-DNA position 284, A replaced by T.
Protein change: p.Tyr95Phe; replaces tyrosine 95 with phenylalanine.
Molecular consequence: missense variant. On other transcripts: 3 prime UTR variant (1).
Genome position (GRCh38, 1-based): chr5:53,101,452, T>A on the plus strand (A>T on the coding strand, the complement: MOCS2 is on the minus strand). VCF-style: chr5-53101452-T-A. GRCh37 (hg19) VCF-style: chr5-52397282-T-A.
Other names: c.*204A>T (NM_176806.4); short protein forms Y95F.
Identifiers: ClinVar variation 1485364 (VCV001485364.5), dbSNP rs754241121, ClinGen allele CA118889590.